The following is an entry in ClinVar:

ClinVar aggregate classification (germline): Likely benign. Review status: criteria provided, multiple submitters, no conflicts (2 of 4 stars). 4 submissions from 4 submitters: Likely benign (4). Last evaluated 2025-09-22.

Conditions:
Cardiovascular phenotype. Identifiers: MedGen CN230736.
Glycogen storage disease, type II (IOPD). Also called: CARDIOMEGALIA GLYCOGENICA DIFFUSA; GLYCOGENOSIS, GENERALIZED, CARDIAC FORM; GSD II; Glycogen storage disease type 2; Acid maltase deficiency disease; Aglucosidase alfa. Identifiers: Orphanet 365, MedGen C0017921, MONDO:0009290, OMIM 232300.

Allele frequency attached by ClinVar (database versions not stated): gnomAD 0.00001; TOPMed 0.00002; ExAC 0.00004; gnomAD exomes 0.00004.

Submissions (4):

Labcorp Genetics (formerly Invitae), Labcorp
Classification: Likely benign for Glycogen storage disease, type II. Last evaluated: 2025-09-22. Review status: criteria provided, single submitter. Criteria: Invitae Variant Classification Sherloc (09022015). Collection method: clinical testing. Allele origin: germline.

Blueprint Genetics
Classification: Likely benign. Last evaluated: 2023-04-20. Review status: criteria provided, single submitter. Criteria: ACMG Guidelines, 2015. Collection method: clinical testing. Allele origin: germline.

Ambry Genetics
Classification: Likely benign for Cardiovascular phenotype. Last evaluated: 2020-07-31. Review status: criteria provided, single submitter. Criteria: Ambry Variant Classification Scheme 2023. Collection method: clinical testing. Allele origin: germline.

GeneDx
Classification: Likely benign. Last evaluated: 2016-02-15. Review status: criteria provided, single submitter. Criteria: GeneDx Variant Classification (06012015). Collection method: clinical testing. Allele origin: germline. Affected: yes.
Comment: This variant is considered likely benign or benign based on one or more of the following criteria: it is a conservative change, it occurs at a poorly conserved position in the protein, it is predicted to be benign by multiple in silico algorithms, and/or has population frequency not consistent with disease.

NM_000152.5(GAA):c.2166C>T (p.Thr722=)

Gene: GAA (alpha glucosidase; plus strand). Cytogenetic location: 17q25.3.
Variant type: single nucleotide variant.
Coding change: c.2166C>T on transcript NM_000152.5 (MANE Select); coding-DNA position 2166, C replaced by T.
Protein change: p.Thr722=; no amino-acid change (threonine 722 retained).
Molecular consequence: synonymous variant.
Genome position (GRCh38, 1-based): chr17:80,113,343, C>T. VCF-style: chr17-80113343-C-T. GRCh37 (hg19) VCF-style: chr17-78087142-C-T.
Other names: c.2166C>T (LRG_673t1); c.2166C>T, p.Thr722= (NM_001079803.3, NM_001079804.3).
Identifiers: ClinVar variation 382801 (VCV000382801.13), dbSNP rs759452172, ClinGen allele CA8815634.
Genomic context (GRCh38, chr17:80,113,343, plus strand): 5'-CTACGCACTCCTCCCCCACCTCTACACACTGTTCCACCAGGCCCACGTCGCGGGGGAGAC[C>T]GTGGCCCGGCCCCTCTTCCTGGAGTGAGTGACCTAGGCAGGGGCGGTGGCCCATGTGTGC-3'
Protein context (NP_000143.2, residues 712-732): LFHQAHVAGE[Thr722=]VARPLFLEFP